The following is an entry in ClinVar:

ClinVar aggregate classification (germline): Uncertain significance (1 of 4 stars; one submission).

Allele frequency attached by ClinVar (database versions not stated): gnomAD 0.00001; gnomAD exomes 0.00001 and 0.00002; TOPMed 0.00001; ExAC 0.00004.
gnomAD v4.1: 24 of 1,613,998 alleles (0.0015%); highest among the groups gnomAD compares: Non-Finnish European, 0.0019%; no homozygotes.

Submission:

Labcorp Genetics (formerly Invitae), Labcorp
Classification: Uncertain significance. Last evaluated: 2020-12-10. Review status: criteria provided, single submitter. Criteria: Invitae Variant Classification Sherloc (09022015). Collection method: clinical testing. Allele origin: germline.
Comment: In summary, the available evidence is currently insufficient to determine the role of this variant in disease. Therefore, it has been classified as a Variant of Uncertain Significance. Algorithms developed to predict the effect of missense changes on protein structure and function are either unavailable or do not agree on the potential impact of this missense change (SIFT: "Deleterious"; PolyPhen-2: "Possibly Damaging"; Align-GVGD: "Class C15"). This variant has not been reported in the literature in individuals with CNNM4-related conditions. This variant is present in population databases (rs770083154, ExAC 0.007%). This sequence change replaces aspartic acid with asparagine at codon 433 of the CNNM4 protein (p.Asp433Asn). The aspartic acid residue is highly conserved and there is a small physicochemical difference between aspartic acid and asparagine.

NM_020184.4(CNNM4):c.1297G>A (p.Asp433Asn)

Gene: CNNM4 (cyclin and CBS domain divalent metal cation transport mediator 4; plus strand). Cytogenetic location: 2q11.2.
Variant type: single nucleotide variant.
Coding change: c.1297G>A on transcript NM_020184.4 (MANE Select); coding-DNA position 1297, G replaced by A.
Protein change: p.Asp433Asn; replaces aspartic acid 433 with asparagine.
Molecular consequence: missense variant.
Genome position (GRCh38, 1-based): chr2:96,762,296, G>A. VCF-style: chr2-96762296-G-A. GRCh37 (hg19) VCF-style: chr2-97428033-G-A.
Other names: short protein forms D433N.
Identifiers: ClinVar variation 1355502 (VCV001355502.8), dbSNP rs770083154, ClinGen allele CA1783319.
Genomic context (GRCh38, chr2:96,762,296, plus strand): 5'-GACGAGCAGTCCAATATTGTAGATATTCTCTACGTCAAAGACTTGGCCTTTGTGGACCCC[G>A]ATGACTGCACCCCCCTCAAGACTATCACTCGCTTCTATAACCACCCGGTGCACTTTGTCT-3'
Protein context (NP_064569.3, residues 423-443): YVKDLAFVDP[Asp433Asn]DCTPLKTITR